The following is an entry in ClinVar:

ClinVar aggregate classification (germline): Benign/Likely benign. Review status: criteria provided, multiple submitters, no conflicts (2 of 4 stars). 8 submissions from 8 submitters: Benign (4); Likely benign (2). 2 of the submissions do not count toward it. Last evaluated 2026-02-04.

Conditions:
Neuromuscular disease caused by qualitative or quantitative defects of dysferlin. Also called: Dysferlinopathy; Qualitative or quantitative defects of dysferlin. Identifiers: Orphanet 207073, MedGen C2931687, MONDO:0016145.

Allele frequency attached by ClinVar (database versions not stated): 1000 Genomes Project 0.02396; 1000 Genomes Project 30x 0.02498; TOPMed 0.02814; ESP Exome Variant Server 0.02999; gnomAD 0.03029.

Submissions (8):

Labcorp Genetics (formerly Invitae), Labcorp
Classification: Benign for Neuromuscular disease caused by qualitative or quantitative defects of dysferlin. Last evaluated: 2026-02-04. Review status: criteria provided, single submitter. Criteria: Invitae Variant Classification Sherloc (09022015). Collection method: clinical testing. Allele origin: germline.

Illumina Laboratory Services, Illumina
Classification: Likely benign for Qualitative or quantitative defects of dysferlin. Last evaluated: 2018-01-13. Review status: criteria provided, single submitter. Criteria: ICSL Variant Classification Criteria 13 December 2019. Collection method: clinical testing. Allele origin: germline.
Comment: This variant was observed in the ICSL laboratory as part of a predisposition screen in an ostensibly healthy population. It had not been previously curated by ICSL or reported in the Human Gene Mutation Database (HGMD: prior to June 1st, 2018), and was therefore a candidate for classification through an automated scoring system. Utilizing variant allele frequency, disease prevalence and penetrance estimates, and inheritance mode, an automated score was calculated to assess if this variant is too frequent to cause the disease. Based on the score and internal cut-off values, a variant classified as likely benign is not then subjected to further curation. The score for this variant resulted in a classification of likely benign for this disease.

GeneDx
Classification: Benign. Last evaluated: 2016-03-03. Review status: criteria provided, single submitter. Criteria: GeneDx Variant Classification (06012015). Collection method: clinical testing. Allele origin: germline. Affected: yes.
Comment: This variant is considered likely benign or benign based on one or more of the following criteria: it is a conservative change, it occurs at a poorly conserved position in the protein, it is predicted to be benign by multiple in silico algorithms, and/or has population frequency not consistent with disease.

Eurofins Ntd Llc (ga)
Classification: Benign. Last evaluated: 2015-04-24. Review status: criteria provided, single submitter. Criteria: EGL Classification Definitions 2015. Collection method: clinical testing. Allele origin: germline. Observed: 11 variant alleles, 10 heterozygotes, 1 homozygote.

Breakthrough Genomics
Classification: Likely benign. Review status: criteria provided, single submitter. Criteria: ACMG Guidelines, 2015. Collection method: not provided. Allele origin: germline. Inheritance: Autosomal recessive inheritance. Affected: yes.

PreventionGenetics, part of Exact Sciences
Classification: Benign. Review status: criteria provided, single submitter. Criteria: ACMG Guidelines, 2015. Collection method: clinical testing. Allele origin: germline.

Clinical Genetics, Academic Medical Center
Classification: Likely benign. Review status: no assertion criteria provided. Collection method: clinical testing. Allele origin: germline. Affected: yes. Study: VKGL Data-share Consensus. Not counted in ClinVar's aggregate classification.

Laboratory of Diagnostic Genome Analysis, Leiden University Medical Center (LUMC)
Classification: Likely benign. Review status: no assertion criteria provided. Collection method: clinical testing. Allele origin: germline. Affected: yes. Study: VKGL Data-share Consensus. Not counted in ClinVar's aggregate classification.

NM_001130987.2(DYSF):c.1577-1635C>G

Gene: DYSF (dysferlin; plus strand). Cytogenetic location: 2p13.2.
Variant type: single nucleotide variant.
Coding change: c.1577-1635C>G on transcript NM_001130987.2 (MANE Select); 1635 bases into the intron before coding-DNA position 1577, C replaced by G.
Molecular consequence: intron variant.
Genome position (GRCh38, 1-based): chr2:71,549,406, C>G. VCF-style: chr2-71549406-C-G. GRCh37 (hg19) VCF-style: chr2-71776536-C-G.
Other names: c.1615+15C>G (NM_001130979.2); c.1574-1635C>G (NM_001130981.2, NM_001130980.2); c.1522+15C>G (NM_001130978.2, NM_003494.4); c.1481-1635C>G (NM_001130977.2, NM_001130976.2); c.1618+15C>G (NM_001130982.2); c.1577-1635C>G (NM_001130985.2); c.1525+15C>G (NM_001130983.2, NM_001130455.2); c.1484-1635C>G (NM_001130984.2, NM_001130986.2).
Identifiers: ClinVar variation 94275 (VCV000094275.22), dbSNP rs76402294, ClinGen allele CA147723.
Genomic context (GRCh38, chr2:71,549,406, plus strand): 5'-TCAGAGGAGCCTGCAGGTGCTGTCAAGCCTTCGAAAGCCTCAGACTGTACGTTGCTGTCA[C>G]CTTGGGGACAACCAGGGGAGTGGGGCCTTGGGTTTTGGCTAGAGGGGCGAGGGTGCTGGA-3'